The following is an entry in ClinVar:

NM_052844.4(DYNC2I2):c.654C>G (p.Ser218Arg)

Gene: DYNC2I2 (dynein 2 intermediate chain 2; minus strand). Cytogenetic location: 9q34.11.
Variant type: single nucleotide variant.
Coding change: c.654C>G on transcript NM_052844.4 (MANE Select); coding-DNA position 654, C replaced by G.
Protein change: p.Ser218Arg; replaces serine 218 with arginine.
Molecular consequence: missense variant.
Genome position (GRCh38, 1-based): chr9:128,636,330, G>C on the plus strand (C>G on the coding strand, the complement: DYNC2I2 is on the minus strand). VCF-style: chr9-128636330-G-C. GRCh37 (hg19) VCF-style: chr9-131398609-G-C.
Other names: short protein forms S218R.
Identifiers: ClinVar variation 1681234 (VCV001681234.6), dbSNP rs750407126, ClinGen allele CA200420384.
Genomic context (GRCh38, chr9:128,636,330, plus strand): 5'-AGGCAGCTCACCTGCGACGTGGGAGGGCTGCGTGGGGTGGAAGGCCAGACACAGGACAGC[G>C]CTGGGGACCTCCACCACGGCCGACGGCTGCTGGGGACGCAGGTCTCGCCGGTCCAGGTTC-3'
Protein context (NP_443076.2, residues 208-228): QQPSAVVEVP[Ser218Arg]AVLCLAFHPT

ClinVar aggregate classification (germline): Uncertain significance (1 of 4 stars; one submission).

Conditions:
Short-rib thoracic dysplasia 11 with or without polydactyly (SRTD11). Also called: SHORT-RIB THORACIC DYSPLASIA 11 WITHOUT POLYDACTYLY. Identifiers: Orphanet 474, Orphanet 93271, MedGen C3810200, MONDO:0014287, OMIM 615633.

gnomAD v4.1: 3 of 1,597,316 alleles (0.00019%); highest among the groups gnomAD compares: African/African-American, 0.004%; no homozygotes.

Submission:

Labcorp Genetics (formerly Invitae), Labcorp
Classification: Uncertain significance for Short-rib thoracic dysplasia 11 with or without polydactyly. Last evaluated: 2023-11-28. Review status: criteria provided, single submitter. Criteria: Invitae Variant Classification Sherloc (09022015). Collection method: clinical testing. Allele origin: germline.
Comment: This sequence change replaces serine, which is neutral and polar, with arginine, which is basic and polar, at codon 218 of the WDR34 protein (p.Ser218Arg). This variant is present in population databases (no rsID available, gnomAD 0.01%). This variant has not been reported in the literature in individuals affected with WDR34-related conditions. ClinVar contains an entry for this variant (Variation ID: 1681234). An algorithm developed to predict the effect of missense changes on protein structure and function (PolyPhen-2) suggests that this variant is likely to be disruptive. In summary, the available evidence is currently insufficient to determine the role of this variant in disease. Therefore, it has been classified as a Variant of Uncertain Significance.